The following is an entry in ClinVar:

NM_025137.4(SPG11):c.668-28G>A

Gene: SPG11 (SPG11 vesicle trafficking associated, spatacsin; minus strand). Cytogenetic location: 15q21.1.
Variant type: single nucleotide variant.
Coding change: c.668-28G>A on transcript NM_025137.4 (MANE Select); 28 bases into the intron before coding-DNA position 668, G replaced by A.
Molecular consequence: intron variant.
Genome position (GRCh38, 1-based): chr15:44,657,324, C>T on the plus strand (G>A on the coding strand, the complement: SPG11 is on the minus strand). VCF-style: chr15-44657324-C-T. GRCh37 (hg19) VCF-style: chr15-44949522-C-T.
Other names: c.668-28G>A (NM_001160227.2).
Identifiers: ClinVar variation 931261 (VCV000931261.3), dbSNP rs749231608, ClinGen allele CA7535750.

ClinVar aggregate classification (germline): Uncertain significance (1 of 4 stars; one submission).

Conditions:
Hereditary spastic paraplegia 11. Also called: Spastic paraplegia, mental retardation and thin corpus callosum; Nakamura Osame syndrome; Autosomal recessive hereditary spastic paraplegia, mental impairment, and thin corpus callosum; SPASTIC PARAPLEGIA, AUTOSOMAL RECESSIVE, COMPLICATED, WITH THIN CORPUS CALLOSUM; SPASTIC PARAPLEGIA, AUTOSOMAL RECESSIVE, WITH MENTAL IMPAIRMENT AND THIN CORPUS CALLOSUM; Spastic Paraplegia 11. Identifiers: Orphanet 2822, MedGen C1858479, MONDO:0011445, OMIM 604360.

Allele frequency attached by ClinVar (database versions not stated): gnomAD exomes below 0.00001; ExAC 0.00001.
gnomAD v4.1: 2 of 1,605,936 alleles (0.00012%); highest among the groups gnomAD compares: Non-Finnish European, 0.00017%; no homozygotes.

Submission:

Centre for Mendelian Genomics, University Medical Centre Ljubljana
Classification: Uncertain significance for Hereditary spastic paraplegia 11. Last evaluated: 2018-11-08. Review status: criteria provided, single submitter. Criteria: ACMG Guidelines, 2015. Collection method: clinical testing. Allele origin: unknown. Affected: yes.
Comment: This variant was classified as: Uncertain significance. The available evidence favors the benign nature of this variant, however the evidence is insufficent to prove its benign nature. The following ACMG criteria were applied in classifying this variant: PM2.